The following is an entry in ClinVar:

ClinVar aggregate classification (germline): Uncertain significance. Review status: criteria provided, multiple submitters, no conflicts (2 of 4 stars). 2 submissions from 2 submitters: Uncertain significance (2). Last evaluated 2025-12-05.

Conditions:
Hereditary cancer-predisposing syndrome. Also called: Neoplastic Syndromes, Hereditary; Tumor predisposition; Hereditary neoplastic syndrome; Hereditary Cancer Syndrome. Identifiers: Orphanet 140162, MedGen C0027672, MeSH D009386, MONDO:0015356.

gnomAD v4.1: 1 of 1,612,956 alleles (0.000062%); highest among the groups gnomAD compares: Middle Eastern, 0.016%; no homozygotes.

Submissions (2):

Ambry Genetics
Classification: Uncertain significance for Hereditary cancer-predisposing syndrome. Last evaluated: 2025-12-05. Review status: criteria provided, single submitter. Criteria: Ambry Variant Classification Scheme 2023. Collection method: clinical testing. Allele origin: germline.
Comment: The p.S1221W variant (also known as c.3662C>G), located in coding exon 30 of the TSC2 gene, results from a C to G substitution at nucleotide position 3662. The serine at codon 1221 is replaced by tryptophan, an amino acid with highly dissimilar properties. This amino acid position is highly conserved in available vertebrate species. In addition, this alteration is predicted to be deleterious by in silico analysis. Based on the available evidence, the clinical significance of this variant remains unclear.

Blueprint Genetics
Classification: Uncertain significance. Last evaluated: 2021-12-28. Review status: criteria provided, single submitter. Criteria: ACMG Guidelines, 2015. Collection method: clinical testing. Allele origin: germline.

NM_000548.5(TSC2):c.3662C>G (p.Ser1221Trp)

Gene: TSC2 (TSC complex subunit 2; plus strand). Cytogenetic location: 16p13.3.
Variant type: single nucleotide variant.
Coding change: c.3662C>G on transcript NM_000548.5 (MANE Select); coding-DNA position 3662, C replaced by G.
Protein change: p.Ser1221Trp; replaces serine 1221 with tryptophan.
Molecular consequence: missense variant. On other transcripts: non-coding transcript variant (5).
Genome position (GRCh38, 1-based): chr16:2,081,646, C>G. VCF-style: chr16-2081646-C-G. GRCh37 (hg19) VCF-style: chr16-2131647-C-G.
Other names: c.3530C>G, p.Ser1177Trp (NM_001077183.3, NM_001370404.1, NM_001406665.1); c.3662C>G, p.Ser1221Trp (NM_001114382.3); c.3422C>G, p.Ser1141Trp (NM_001318827.2); c.3386C>G, p.Ser1129Trp (NM_001318829.2); c.2930C>G, p.Ser977Trp (NM_001318831.2, NM_001406687.1, NM_001406688.1); c.3563C>G, p.Ser1188Trp (NM_001318832.2); c.3533C>G, p.Ser1178Trp (NM_001363528.2, NM_001370405.1, NM_021055.3); c.3659C>G, p.Ser1220Trp (NM_001406663.1, NM_001406664.1); and 18 more; short protein forms S1128W, S1140W, S1173W, S1207W, S729W, S1141W, S1184W, S978W.
Identifiers: ClinVar variation 4557462 (VCV004557462.2).